The following is an entry in ClinVar:

NM_001365276.2(TNXB):c.7169-10T>C

Gene: TNXB (tenascin XB; minus strand). Cytogenetic location: 6p21.33.
Variant type: single nucleotide variant.
Coding change: c.7169-10T>C on transcript NM_001365276.2 (MANE Select); 10 bases into the intron before coding-DNA position 7169, T replaced by C.
Molecular consequence: intron variant.
Genome position (GRCh38, 1-based): chr6:32,061,730, A>G on the plus strand (T>C on the coding strand, the complement: TNXB is on the minus strand). VCF-style: chr6-32061730-A-G. GRCh37 (hg19) VCF-style: chr6-32029507-A-G.
Other names: c.7169-10T>C (NM_019105.8); c.7910-10T>C (NM_001428335.1).
Identifiers: ClinVar variation 5000171 (VCV005000171.1).

ClinVar aggregate classification (germline): Likely benign (1 of 4 stars; one submission).

Conditions:
TNXB-related disorder. Also called: TNXB-related condition.

Submission:

PreventionGenetics, part of Exact Sciences
Classification: Likely benign for TNXB-related condition. Last evaluated: 2024-10-02. Review status: criteria provided, single submitter. Criteria: ACMG Guidelines, 2015. Collection method: clinical testing. Allele origin: germline.
Comment: This variant is classified as likely benign based on ACMG/AMP sequence variant interpretation guidelines (Richards et al. 2015 PMID: 25741868, with internal and published modifications).